The following is an entry in ClinVar:

ClinVar aggregate classification (germline): Uncertain significance (1 of 4 stars; one submission).

Allele frequency attached by ClinVar (database versions not stated): gnomAD exomes below 0.00001.
gnomAD v4.1: 1 of 1,614,026 alleles (0.000062%); highest among the groups gnomAD compares: Non-Finnish European, 0.000085%; no homozygotes.

Submission:

Greenwood Genetic Center Diagnostic Laboratories, Greenwood Genetic Center
Classification: Uncertain significance. Last evaluated: 2023-01-30. Review status: criteria provided, single submitter. Criteria: ACMG Guidelines, 2015. Collection method: clinical testing. Allele origin: germline. Affected: yes.
Comment: Gene of Uncertain Significance

NM_024721.5(ZFHX4):c.868A>G (p.Ile290Val)

Gene: ZFHX4 (zinc finger homeobox 4; plus strand). Cytogenetic location: 8q21.13.
Variant type: single nucleotide variant.
Coding change: c.868A>G on transcript NM_024721.5 (MANE Select); coding-DNA position 868, A replaced by G.
Protein change: p.Ile290Val; replaces isoleucine 290 with valine.
Molecular consequence: missense variant.
Genome position (GRCh38, 1-based): chr8:76,704,956, A>G. VCF-style: chr8-76704956-A-G. GRCh37 (hg19) VCF-style: chr8-77617191-A-G.
Other names: c.868A>G, p.Ile290Val (NM_001410934.1); short protein forms I290V.
Identifiers: ClinVar variation 2505253 (VCV002505253.1), dbSNP rs2536195039, ClinGen allele CA371505209.